The following is an entry in ClinVar:

NM_004714.3(DYRK1B):c.957C>G (p.Val319=)

Gene: DYRK1B (dual specificity tyrosine phosphorylation regulated kinase 1B; minus strand). Cytogenetic location: 19q13.2.
Variant type: single nucleotide variant.
Coding change: c.957C>G on transcript NM_004714.3 (MANE Select); coding-DNA position 957, C replaced by G.
Protein change: p.Val319=; no amino-acid change (valine 319 retained).
Molecular consequence: synonymous variant.
Genome position (GRCh38, 1-based): chr19:39,827,423, G>C on the plus strand (C>G on the coding strand, the complement: DYRK1B is on the minus strand). VCF-style: chr19-39827423-G-C. GRCh37 (hg19) VCF-style: chr19-40318063-G-C.
Other names: c.957C>G, p.Val319= (NM_006483.3, NM_006484.3).
Identifiers: ClinVar variation 4978781 (VCV004978781.1).

ClinVar aggregate classification (germline): Likely benign (1 of 4 stars; one submission).

Conditions:
DYRK1B-related disorder. Also called: DYRK1B-related condition.

gnomAD v4.1: 1 of 1,611,898 alleles (0.000062%); highest among the groups gnomAD compares: African/African-American, 0.0013%; no homozygotes.

Submission:

PreventionGenetics, part of Exact Sciences
Classification: Likely benign for DYRK1B-related condition. Last evaluated: 2025-04-16. Review status: criteria provided, single submitter. Criteria: ACMG Guidelines, 2015. Collection method: clinical testing. Allele origin: germline.
Comment: This variant is classified as likely benign based on ACMG/AMP sequence variant interpretation guidelines (Richards et al. 2015 PMID: 25741868, with internal and published modifications).